The following is an entry in ClinVar:

ClinVar aggregate classification (germline): Conflicting classifications of pathogenicity. Review status: criteria provided, conflicting classifications (1 of 4 stars). 2 submissions from 2 submitters: Uncertain significance (1); Likely benign (1). Last evaluated 2023-11-16.

Conditions:
Hereditary cancer-predisposing syndrome. Also called: Hereditary neoplastic syndrome; Neoplastic Syndromes, Hereditary; Tumor predisposition; Hereditary Cancer Syndrome. Identifiers: Orphanet 140162, MedGen C0027672, MeSH D009386, MONDO:0015356.
Neuroblastoma, susceptibility to, 3. Also called: ALK-Related Neuroblastic Tumor Susceptibility. Identifiers: Orphanet 635, MedGen C2751681, MONDO:0013083, OMIM 613014.

Allele frequency attached by ClinVar (database versions not stated): gnomAD exomes below 0.00001.
gnomAD v4.1: 2 of 1,613,520 alleles (0.00012%); highest among the groups gnomAD compares: South Asian, 0.0011%; no homozygotes.

Submissions (2):

Ambry Genetics
Classification: Uncertain significance for Hereditary cancer-predisposing syndrome. Last evaluated: 2023-11-16. Review status: criteria provided, single submitter. Criteria: Ambry Variant Classification Scheme 2023. Collection method: clinical testing. Allele origin: germline.
Comment: The c.3646-5C>T intronic variant results from a C to T substitution 5 nucleotides upstream from coding exon 24 in the ALK gene. This nucleotide position is not well conserved in available vertebrate species. In silico splice site analysis predicts that this alteration will not have any significant effect on splicing. Since supporting evidence is limited at this time, the clinical significance of this alteration remains unclear.

Labcorp Genetics (formerly Invitae), Labcorp
Classification: Likely benign for Neuroblastoma, susceptibility to, 3. Last evaluated: 2017-04-11. Review status: criteria provided, single submitter. Criteria: Invitae Variant Classification Sherloc (09022015). Collection method: clinical testing. Allele origin: germline.

NM_004304.5(ALK):c.3646-5C>T

Gene: ALK (ALK receptor tyrosine kinase; minus strand). Cytogenetic location: 2p23.2.
Variant type: single nucleotide variant.
Coding change: c.3646-5C>T on transcript NM_004304.5 (MANE Select); 5 bases into the intron before coding-DNA position 3646, C replaced by T.
Molecular consequence: intron variant.
Genome position (GRCh38, 1-based): chr2:29,214,086, G>A on the plus strand (C>T on the coding strand, the complement: ALK is on the minus strand). VCF-style: chr2-29214086-G-A. GRCh37 (hg19) VCF-style: chr2-29436952-G-A.
Other names: c.442-5C>T (NM_001353765.2).
Identifiers: ClinVar variation 470839 (VCV000470839.9), dbSNP rs1444967093, ClinGen allele CA658655644.